The following is an entry in ClinVar:

ClinVar aggregate classification (germline): Likely benign (1 of 4 stars; one submission).

Conditions:
Parkinson disease 17 (PARK17). Also called: VPS35-Related Parkinson Disease. Identifiers: Orphanet 411602, MedGen C3280133, MONDO:0013625, OMIM 614203.

Allele frequency attached by ClinVar (database versions not stated): gnomAD exomes 0.00003 and 0.00004; ExAC 0.00004; gnomAD 0.00008; TOPMed 0.00011.
gnomAD v4.1: 61 of 1,610,628 alleles (0.0038%); highest among the groups gnomAD compares: Admixed American, 0.015%; no homozygotes.

Submission:

Illumina Laboratory Services, Illumina
Classification: Likely benign for Parkinson disease 17. Last evaluated: 2018-01-13. Review status: criteria provided, single submitter. Criteria: ICSL Variant Classification Criteria 13 December 2019. Collection method: clinical testing. Allele origin: germline.
Comment: This variant was observed in the ICSL laboratory as part of a predisposition screen in an ostensibly healthy population. It had not been previously curated by ICSL or reported in the Human Gene Mutation Database (HGMD: prior to June 1st, 2018), and was therefore a candidate for classification through an automated scoring system. Utilizing variant allele frequency, disease prevalence and penetrance estimates, and inheritance mode, an automated score was calculated to assess if this variant is too frequent to cause the disease. Based on the score and internal cut-off values, a variant classified as likely benign is not then subjected to further curation. The score for this variant resulted in a classification of likely benign for this disease.

NM_018206.6(VPS35):c.*34A>G

Gene: VPS35 (VPS35 retromer complex component; minus strand). Cytogenetic location: 16q11.2.
Variant type: single nucleotide variant.
Coding change: c.*34A>G on transcript NM_018206.6 (MANE Select); 34 bases downstream of the stop codon, A replaced by G.
Molecular consequence: 3 prime UTR variant.
Genome position (GRCh38, 1-based): chr16:46,660,438, T>C on the plus strand (A>G on the coding strand, the complement: VPS35 is on the minus strand). VCF-style: chr16-46660438-T-C. GRCh37 (hg19) VCF-style: chr16-46694350-T-C.
Identifiers: ClinVar variation 886614 (VCV000886614.4), dbSNP rs779980787, ClinGen allele CA8036572.